The following is an entry in ClinVar:

NM_001160372.4(TRAPPC9):c.2397C>T (p.Ser799=)

Gene: TRAPPC9 (trafficking protein particle complex subunit 9; minus strand). Cytogenetic location: 8q24.3.
Variant type: single nucleotide variant.
Coding change: c.2397C>T on transcript NM_001160372.4 (MANE Select); coding-DNA position 2397, C replaced by T.
Protein change: p.Ser799=; no amino-acid change (serine 799 retained).
Molecular consequence: synonymous variant. On other transcripts: non-coding transcript variant (1).
Genome position (GRCh38, 1-based): chr8:140,252,811, G>A on the plus strand (C>T on the coding strand, the complement: TRAPPC9 is on the minus strand). VCF-style: chr8-140252811-G-A. GRCh37 (hg19) VCF-style: chr8-141262910-G-A.
Other names: c.2370C>T, p.Ser790= (NM_001321646.2); c.2418C>T, p.Ser806= (NM_001374682.1); c.2397C>T, p.Ser799= (NM_001374683.1, NM_031466.8); c.2253C>T, p.Ser751= (NM_001374684.1).
Identifiers: ClinVar variation 2959147 (VCV002959147.7), dbSNP rs759867098, ClinGen allele CA4893114.
Genomic context (GRCh38, chr8:140,252,811, plus strand): 5'-CTAATTAAAATTAGGAAAGCGCTTACCATCACTGAGATCCTGCAGGAGATTCTCCTGGCA[G>A]GAGAAATCCAGCTTCACTTTGATGTTGATTGTGAACGTGGCCACCTTCCCAGGCTGCAAA-3'
Protein context (NP_001153844.1, residues 789-809): TINIKVKLDF[Ser799=]CQENLLQDLS

ClinVar aggregate classification (germline): Likely benign. Review status: criteria provided, multiple submitters, no conflicts (2 of 4 stars). 2 submissions from 2 submitters: Likely benign (2). Last evaluated 2026-03-01.

Allele frequency attached by ClinVar (database versions not stated): gnomAD 0.00001; gnomAD exomes 0.00002; ExAC 0.00003; TOPMed 0.00004.
gnomAD v4.1: 11 of 1,613,990 alleles (0.00068%); highest among the groups gnomAD compares: Admixed American, 0.015%; no homozygotes.

Submissions (2):

CeGaT Center for Human Genetics Tuebingen
Classification: Likely benign. Last evaluated: 2026-03-01. Review status: criteria provided, single submitter. Criteria: CeGaT Center For Human Genetics Tuebingen Variant Classification Criteria Version 2. Collection method: clinical testing. Allele origin: germline. Affected: yes. Observed: 1 variant allele.
Comment: TRAPPC9: BP4, BP7

Labcorp Genetics (formerly Invitae), Labcorp
Classification: Likely benign. Last evaluated: 2023-08-18. Review status: criteria provided, single submitter. Criteria: Invitae Variant Classification Sherloc (09022015). Collection method: clinical testing. Allele origin: germline.